The following is an entry in ClinVar:

ClinVar aggregate classification (germline): Likely pathogenic (1 of 4 stars; one submission).

Conditions:
Meckel-Gruber syndrome. Also called: DYSENCEPHALIA SPLANCHNOCYSTICA; GRUBER SYNDROME; Dysencephalia splachnocystica. Identifiers: Orphanet 564, MedGen C0265215, MONDO:0018921.
Joubert syndrome. Also called: CEREBELLOPARENCHYMAL DISORDER IV; JOUBERT-BOLTSHAUSER SYNDROME; Familial aplasia of the vermis. Identifiers: Orphanet 475, MedGen C5979921, MONDO:0018772.

Allele frequency attached by ClinVar (database versions not stated): gnomAD exomes below 0.00001; gnomAD 0.00001; TOPMed 0.00001.
gnomAD v4.1: 2 of 1,611,198 alleles (0.00012%); highest among the groups gnomAD compares: Admixed American, 0.0017%; no homozygotes.

Submission:

Labcorp Genetics (formerly Invitae), Labcorp
Classification: Likely pathogenic for Joubert syndrome; Meckel-Gruber syndrome. Last evaluated: 2022-06-19. Review status: criteria provided, single submitter. Criteria: Invitae Variant Classification Sherloc (09022015). Collection method: clinical testing. Allele origin: germline.
Comment: This variant has not been reported in the literature in individuals affected with MKS1-related conditions. In summary, the currently available evidence indicates that the variant is pathogenic, but additional data are needed to prove that conclusively. Therefore, this variant has been classified as Likely Pathogenic. Algorithms developed to predict the effect of sequence changes on RNA splicing suggest that this variant may disrupt the consensus splice site. This variant is present in population databases (no rsID available, gnomAD 0.003%). This sequence change affects an acceptor splice site in intron 12 of the MKS1 gene. It is expected to disrupt RNA splicing. Variants that disrupt the donor or acceptor splice site typically lead to a loss of protein function (PMID: 16199547), and loss-of-function variants in MKS1 are known to be pathogenic (PMID: 19466712, 24886560, 26490104).

Literature cited by the submitters: PubMed 16199547; PubMed 19466712; PubMed 24886560; PubMed 26490104.

NM_017777.4(MKS1):c.1096-1G>C

Gene: MKS1 (MKS transition zone complex subunit 1; minus strand). Cytogenetic location: 17q22.
Variant type: single nucleotide variant.
Coding change: c.1096-1G>C on transcript NM_017777.4 (MANE Select); the canonical splice acceptor site of the intron before coding-DNA position 1096, G replaced by C.
Molecular consequence: splice acceptor variant.
Genome position (GRCh38, 1-based): chr17:58,208,175, C>G on the plus strand (G>C on the coding strand, the complement: MKS1 is on the minus strand). VCF-style: chr17-58208175-C-G. GRCh37 (hg19) VCF-style: chr17-56285536-C-G.
Other names: c.487-1G>C (NM_001321268.2); c.1096-1G>C (NM_001330397.2, NM_001321269.2, NM_001411113.1).
Identifiers: ClinVar variation 1477542 (VCV001477542.8), dbSNP rs1401015954, ClinGen allele CA400325769.